The following is an entry in ClinVar:

ClinVar aggregate classification (germline): Conflicting classifications of pathogenicity. Review status: criteria provided, conflicting classifications (1 of 4 stars). 10 submissions from 10 submitters: Uncertain significance (9); Likely benign (1). Last evaluated 2025-12-24.

Conditions:
Familial ovarian cancer. Identifiers: MedGen C5679802, MONDO:0016248.
Familial cancer of breast. Also called: BREAST CANCER, FAMILIAL; Hereditary breast cancer; hereditary breast carcinoma. Identifiers: Orphanet 227535, MedGen C0346153, MONDO:0016419, OMIM 114480. Disease mechanism: loss of function.
Fanconi anemia complementation group J. Also called: BRIP1-Related Fanconi Anemia. Identifiers: Orphanet 84, MedGen C1836860, MONDO:0012187, OMIM 609054.
Hereditary cancer-predisposing syndrome. Also called: Tumor predisposition; Hereditary Cancer Syndrome; Neoplastic Syndromes, Hereditary; Hereditary neoplastic syndrome. Identifiers: Orphanet 140162, MedGen C0027672, MeSH D009386, MONDO:0015356.

Allele frequency attached by ClinVar (database versions not stated): gnomAD 0.00001 and 0.00002; ExAC 0.00002; gnomAD exomes 0.00002 and 0.00003; TOPMed 0.00003.
gnomAD v4.1: 43 of 1,610,116 alleles (0.0027%); highest among the groups gnomAD compares: South Asian, 0.0033%; no homozygotes.

Submissions (10):

Labcorp Genetics (formerly Invitae), Labcorp
Classification: Uncertain significance for Familial cancer of breast; Fanconi anemia complementation group J. Last evaluated: 2025-12-24. Review status: criteria provided, single submitter. Criteria: Invitae Variant Classification Sherloc (09022015). Collection method: clinical testing. Allele origin: germline.
Comment: This sequence change replaces alanine, which is neutral and non-polar, with threonine, which is neutral and polar, at codon 453 of the BRIP1 protein (p.Ala453Thr). This variant is present in population databases (rs587780227, gnomAD 0.007%). This variant has not been reported in the literature in individuals affected with BRIP1-related conditions. ClinVar contains an entry for this variant (Variation ID: 128155). Invitae Evidence Modeling of protein sequence and biophysical properties (such as structural, functional, and spatial information, amino acid conservation, physicochemical variation, residue mobility, and thermodynamic stability) indicates that this missense variant is not expected to disrupt BRIP1 protein function with a negative predictive value of 95%. In summary, the available evidence is currently insufficient to determine the role of this variant in disease. Therefore, it has been classified as a Variant of Uncertain Significance.

Quest Diagnostics Nichols Institute San Juan Capistrano
Classification: Uncertain significance. Last evaluated: 2025-08-21. Review status: criteria provided, single submitter. Criteria: Quest Diagnostics criteria. Collection method: clinical testing. Allele origin: unknown.
Comment: The BRIP1 c.1357G>A (p.Ala453Thr) variant has been identified in the published literature in a reportedly unaffected individual (PMID: 33471991 (2021), see also LOVD). The frequency of this variant in the general population (Genome Aggregation Database) is uninformative in the assessment of its pathogenicity. Analysis of this variant using bioinformatics tools for the prediction of the effect of amino acid changes on protein structure and function yielded predictions that this variant is benign. Based on the available information, we are unable to determine the clinical significance of this variant.

KCCC/NGS Laboratory, Kuwait Cancer Control Center
Classification: Uncertain significance for Familial cancer of breast. Last evaluated: 2025-07-07. Review status: criteria provided, single submitter. Criteria: ACMG Guidelines, 2015. Collection method: clinical testing. Allele origin: germline. Inheritance: Autosomal dominant inheritance. Affected: yes. Observed: 1 heterozygote.
Comment: This sequence change replaces alanine, which is neutral and non-polar, with threonine, which is neutral and polar, at codon 453 of the BRIP1 protein (p.Ala453Thr). This variant is present in population databases (rs587780227, gnomAD 0.007%). This variant has not been reported in the literature in individuals affected with BRIP1-related conditions. ClinVar contains an entry for this variant (Variation ID: 128155)., the available evidence is currently insufficient to determine the role of this variant in disease. Therefore, it has been classified as a Variant of Uncertain Significance.

Ambry Genetics
Classification: Likely benign for Hereditary cancer-predisposing syndrome. Last evaluated: 2025-05-13. Review status: criteria provided, single submitter. Criteria: Ambry Variant Classification Scheme 2023. Collection method: clinical testing. Allele origin: germline.

Center for Genomic Medicine, Rigshospitalet, Copenhagen University Hospital
Classification: Uncertain significance. Last evaluated: 2025-03-04. Review status: criteria provided, single submitter. Criteria: ACMG Guidelines, 2015. Collection method: clinical testing. Allele origin: germline.

GeneDx
Classification: Uncertain significance. Last evaluated: 2024-08-06. Review status: criteria provided, single submitter. Criteria: GeneDx Variant Classification Process June 2021. Collection method: clinical testing. Allele origin: germline. Affected: yes.
Comment: Not observed at significant frequency in large population cohorts (gnomAD); In silico analysis indicates that this missense variant does not alter protein structure/function; Has not been previously published as germline pathogenic or benign to our knowledge; This variant is associated with the following publications: (PMID: 28912153)

Department of Pathology and Laboratory Medicine, Sinai Health System
Classification: Uncertain significance for familial ovarian cancer. Last evaluated: 2024-07-02. Review status: criteria provided, single submitter. Criteria: ACMG Guidelines, 2015. Collection method: clinical testing. Allele origin: germline. Affected: no.

Color Diagnostics, LLC DBA Color Health
Classification: Uncertain significance for Hereditary cancer-predisposing syndrome. Last evaluated: 2024-02-20. Review status: criteria provided, single submitter. Criteria: ACMG Guidelines, 2015. Collection method: clinical testing. Allele origin: germline.
Comment: This missense variant replaces alanine with threonine at codon 453 of the BRIP1 protein. Computational prediction suggests that this variant may not impact protein structure and function. To our knowledge, functional studies have not been reported for this variant. In a large breast cancer case-control study, this variant was absent in 60466 individuals affected with breast cancer and detected in 1/53460 controls (OR=0.442, 95%CI 0.015 to 13.178; PMID: 33471991). This variant has been identified in 5/247722 chromosomes in the general population by the Genome Aggregation Database (gnomAD). The available evidence is insufficient to determine the role of this variant in disease conclusively. Therefore, this variant is classified as a Variant of Uncertain Significance.

Baylor Genetics
Classification: Uncertain significance for Familial cancer of breast. Last evaluated: 2024-01-19. Review status: criteria provided, single submitter. Criteria: ACMG Guidelines, 2015. Collection method: clinical testing. Allele origin: unknown.

Sema4
Classification: Uncertain significance for Hereditary cancer-predisposing syndrome. Last evaluated: 2022-03-01. Review status: criteria provided, single submitter. Criteria: Sema4 Curation Guidelines. Collection method: curation. Allele origin: germline.
Comment: To the best of our knowledge, the BRIP1 c.1357G>A (p.A453T) variant has not been reported in individuals with BRIP1-related disease. It was observed in 5/247722 chromosomes across all populations, with no homozygotes, in the large and broad cohorts of the Genome Aggregation Database (PMID: 32461654). The variant has been reported in ClinVar (Variation ID 128155). Functional studies have not been performed, and in silico predictions of the variant's effect on protein function are inconclusive. The evidence is insufficient to meet ACMG/AMP criteria for classifying the variant as benign or pathogenic. Thus, the clinical significance of this variant is currently uncertain.

Literature cited by the submitters: PubMed 33471991 (cited by Quest Diagnostics Nichols Institute San Juan Capistrano).

NM_032043.3(BRIP1):c.1357G>A (p.Ala453Thr)

Gene: BRIP1 (BRCA1 interacting DNA helicase 1; minus strand). Cytogenetic location: 17q23.2.
Variant type: single nucleotide variant.
Coding change: c.1357G>A on transcript NM_032043.3 (MANE Select); coding-DNA position 1357, G replaced by A.
Protein change: p.Ala453Thr; replaces alanine 453 with threonine.
Molecular consequence: missense variant.
Genome position (GRCh38, 1-based): chr17:61,793,713, C>T on the plus strand (G>A on the coding strand, the complement: BRIP1 is on the minus strand). VCF-style: chr17-61793713-C-T. GRCh37 (hg19) VCF-style: chr17-59871074-C-T.
Other names: p.A453T:GCT>ACT; short protein forms A453T.
Identifiers: ClinVar variation 128155 (VCV000128155.35), dbSNP rs587780227, ClinGen allele CA288514.